The following is an entry in ClinVar:

ClinVar aggregate classification (germline): Uncertain significance. Review status: criteria provided, single submitter (1 of 4 stars). 3 submissions from 3 submitters: Uncertain significance (1). 2 of the submissions do not count toward it. Last evaluated 2025-03-24.

Conditions:
RYR2-related disorder. Also called: RYR2-related condition.

Submissions (3):

PreventionGenetics, part of Exact Sciences
Classification: Uncertain significance for RYR2-related condition. Last evaluated: 2025-03-24. Review status: criteria provided, single submitter. Criteria: ACMG Guidelines, 2015. Collection method: clinical testing. Allele origin: germline.
Comment: The RYR2 c.14217delT variant is predicted to result in a frameshift and premature protein termination (p.Phe4739Leufs*15). This variant has been reported as a variant of uncertain significance in an individual with unexplained cardiac arrest (described as c.14209delT:p.F4737fs in Table S5, Grondin et al. 2022. PubMed ID: 35352813). This variant is reported in 0.010% of alleles in individuals of Ashkenazi Jewish descent in gnomAD; however, the quality of this data is questionable and should be treated with caution. Loss of function is not an established mechanism of RYR2-related disorders. Although we suspect that this variant may be pathogenic, at this time, the clinical significance of this variant is uncertain due to the absence of conclusive functional and genetic evidence.

Clinical Genetics, Academic Medical Center
Classification: Benign. Review status: no assertion criteria provided. Collection method: clinical testing. Allele origin: germline. Affected: yes. Study: VKGL Data-share Consensus. Not counted in ClinVar's aggregate classification.

Genome Diagnostics Laboratory, University Medical Center Utrecht
Classification: Likely benign. Review status: no assertion criteria provided. Collection method: clinical testing. Allele origin: germline. Affected: yes. Study: VKGL Data-share Consensus. Not counted in ClinVar's aggregate classification.

NM_001035.3(RYR2):c.14217del (p.Phe4739fs)

Gene: RYR2 (ryanodine receptor 2; plus strand). Cytogenetic location: 1q43.
Variant type: Deletion.
Coding change: c.14217del on transcript NM_001035.3 (MANE Select); coding-DNA position 14217, one base deleted (T; older notation c.14217delT).
Protein change: p.Phe4739fs; shifts the reading frame from phenylalanine 4739.
Molecular consequence: frameshift variant.
Genome position (GRCh38, 1-based): chr1:237,806,202, T deleted; the last of 9 consecutive T bases (chr1:237,806,194-237,806,202); deleting any one gives the same sequence. VCF-style (leftmost placement, unchanged base first): chr1-237806193-CT-C. GRCh37 (hg19) VCF-style: chr1-237969493-CT-C.
Other names: c.14217delT (NM_001035.2); short protein forms F4739fs.
Identifiers: ClinVar variation 1284405 (VCV001284405.3), dbSNP rs749201569, ClinGen allele CA085610.